The following is an entry in ClinVar:

NM_000435.3(NOTCH3):c.1262G>A (p.Arg421His)

Gene: NOTCH3 (notch receptor 3; minus strand). Cytogenetic location: 19p13.12.
Variant type: single nucleotide variant.
Coding change: c.1262G>A on transcript NM_000435.3 (MANE Select); coding-DNA position 1262, G replaced by A.
Protein change: p.Arg421His; replaces arginine 421 with histidine.
Molecular consequence: missense variant.
Genome position (GRCh38, 1-based): chr19:15,189,105, C>T on the plus strand (G>A on the coding strand, the complement: NOTCH3 is on the minus strand). VCF-style: chr19-15189105-C-T. GRCh37 (hg19) VCF-style: chr19-15299916-C-T.
Other names: short protein forms R421H.
Identifiers: ClinVar variation 1307310 (VCV001307310.3), dbSNP rs2145436323, ClinGen allele CA404528157.
Genomic context (GRCh38, chr19:15,189,105, plus strand): 5'-CGGCAGGGCCCCGACAGACACTCGTTGACATCGGTCTCACAGCGAGGTCCAGTGTAGCCA[C>T]GACCGCACTGGCACAGGAAGGAGCCCTGCGTGTTCACGCACCTGCCCAAGTGCTCGCAGG-3'
Protein context (NP_000426.2, residues 411-431): TQGSFLCQCG[Arg421His]GYTGPRCETD

ClinVar aggregate classification (germline): Uncertain significance. Review status: criteria provided, multiple submitters, no conflicts (2 of 4 stars). 2 submissions from 2 submitters: Uncertain significance (2). Last evaluated 2021-11-04.

Submissions (2):

Athena Diagnostics
Classification: Uncertain significance. Last evaluated: 2021-11-04. Review status: criteria provided, single submitter. Criteria: Athena Diagnostics Criteria. Collection method: clinical testing. Allele origin: unknown.

GeneDx
Classification: Uncertain significance. Last evaluated: 2019-08-12. Review status: criteria provided, single submitter. Criteria: GeneDx Variant Classification Process June 2021. Collection method: clinical testing. Allele origin: germline. Affected: yes.
Comment: Not observed in large population cohorts (Lek et al., 2016); In silico analysis, which includes protein predictors and evolutionary conservation, supports a deleterious effect; Has not been previously published as pathogenic or benign to our knowledge